The following is an entry in ClinVar:

ClinVar aggregate classification (germline): Uncertain significance (1 of 4 stars; one submission).

Allele frequency attached by ClinVar (database versions not stated): TOPMed below 0.00001.

Submission:

Labcorp Genetics (formerly Invitae), Labcorp
Classification: Uncertain significance. Last evaluated: 2022-08-13. Review status: criteria provided, single submitter. Criteria: Invitae Variant Classification Sherloc (09022015). Collection method: clinical testing. Allele origin: germline.
Comment: This sequence change replaces alanine, which is neutral and non-polar, with valine, which is neutral and non-polar, at codon 1500 of the LAMC3 protein (p.Ala1500Val). This variant is not present in population databases (gnomAD no frequency). This variant has not been reported in the literature in individuals affected with LAMC3-related conditions. In summary, the available evidence is currently insufficient to determine the role of this variant in disease. Therefore, it has been classified as a Variant of Uncertain Significance. Algorithms developed to predict the effect of missense changes on protein structure and function (SIFT, PolyPhen-2, Align-GVGD) all suggest that this variant is likely to be tolerated.

NM_006059.4(LAMC3):c.4499C>T (p.Ala1500Val)

Gene: LAMC3 (laminin subunit gamma 3; plus strand). Cytogenetic location: 9q34.12.
Variant type: single nucleotide variant.
Coding change: c.4499C>T on transcript NM_006059.4 (MANE Select); coding-DNA position 4499, C replaced by T.
Protein change: p.Ala1500Val; replaces alanine 1500 with valine.
Molecular consequence: missense variant.
Genome position (GRCh38, 1-based): chr9:131,091,558, C>T. VCF-style: chr9-131091558-C-T. GRCh37 (hg19) VCF-style: chr9-133966945-C-T.
Other names: short protein forms A1500V.
Identifiers: ClinVar variation 2009450 (VCV002009450.4), dbSNP rs1276204182, ClinGen allele CA375266832.